The following is an entry in ClinVar:

NM_001282116.2(RFX3):c.1086+1G>A

Gene: RFX3 (regulatory factor X3; minus strand). Cytogenetic location: 9p24.2.
Variant type: single nucleotide variant.
Coding change: c.1086+1G>A on transcript NM_001282116.2 (MANE Select); the canonical splice donor site of the intron after coding-DNA position 1086, G replaced by A.
Molecular consequence: splice donor variant.
Genome position (GRCh38, 1-based): chr9:3,275,499, C>T on the plus strand (G>A on the coding strand, the complement: RFX3 is on the minus strand). VCF-style: chr9-3275499-C-T. GRCh37 (hg19) VCF-style: chr9-3275499-C-T.
Other names: c.1086+1G>A (NM_001377999.1, NM_134428.3, NM_002919.4 and 1 more transcripts).
Identifiers: ClinVar variation 1310956 (VCV001310956.2), dbSNP rs2131396118, ClinGen allele CA372838485.

ClinVar aggregate classification (germline): Uncertain significance (1 of 4 stars; one submission).

Submission:

GeneDx
Classification: Uncertain significance. Last evaluated: 2020-01-10. Review status: criteria provided, single submitter. Criteria: GeneDx Variant Classification Process June 2021. Collection method: clinical testing. Allele origin: germline. Affected: yes.
Comment: Canonical splice site variant in a gene for which loss-of-function is not a known mechanism of disease; Not observed in large population cohorts (Lek et al., 2016); Has not been previously published as pathogenic or benign to our knowledge; Variants in candidate genes are classified as variants of uncertain significance in accordance with ACMG guidelines (Richards et al., 2015)